The following is an entry in ClinVar:

NM_001031715.3(IQCH):c.2020T>C (p.Tyr674His)

Gene: IQCH (IQ motif containing H; plus strand). Cytogenetic location: 15q23.
Variant type: single nucleotide variant.
Coding change: c.2020T>C on transcript NM_001031715.3 (MANE Select); coding-DNA position 2020, T replaced by C.
Protein change: p.Tyr674His; replaces tyrosine 674 with histidine.
Molecular consequence: missense variant. On other transcripts: non-coding transcript variant (1), intron variant (2).
Genome position (GRCh38, 1-based): chr15:67,400,228, T>C. VCF-style: chr15-67400228-T-C. GRCh37 (hg19) VCF-style: chr15-67692566-T-C.
Other names: c.991T>C, p.Tyr331His (NM_001284347.2, NM_001322471.2); c.1003T>C, p.Tyr335His (NM_001284348.2); c.1228T>C, p.Tyr410His (NM_001322470.2, NM_001322473.2, NM_001322475.2); c.1113+11222T>C (NM_001322474.2); c.876+11222T>C (NM_001322472.2); short protein forms Y331H, Y335H, Y410H, Y674H.
Identifiers: ClinVar variation 2645483 (VCV002645483.22), dbSNP rs35933176, ClinGen allele CA7627958.

ClinVar aggregate classification (germline): Likely benign (1 of 4 stars; one submission).

Allele frequency attached by ClinVar (database versions not stated): 1000 Genomes Project 0.00100; 1000 Genomes Project 30x 0.00109; TOPMed 0.00226; ESP Exome Variant Server 0.00315; gnomAD exomes 0.00329; gnomAD 0.00426; ExAC 0.00427.
gnomAD v4.1: 5,422 of 1,613,628 alleles (0.34%); highest among the groups gnomAD compares: Non-Finnish European, 0.33%; 39 homozygotes.

Submission:

CeGaT Center for Human Genetics Tuebingen
Classification: Likely benign. Last evaluated: 2023-03-01. Review status: criteria provided, single submitter. Criteria: CeGaT Center For Human Genetics Tuebingen Variant Classification Criteria Version 2. Collection method: clinical testing. Allele origin: germline. Affected: yes. Observed: 4 variant alleles.
Comment: IQCH: BP4, BS2